The following is an entry in ClinVar:

ClinVar aggregate classification (germline): Uncertain significance (1 of 4 stars; one submission).

Conditions:
Aicardi-Goutieres syndrome 4. Identifiers: Orphanet 51, MedGen C1835912, MONDO:0012472, OMIM 610333.

Submission:

Labcorp Genetics (formerly Invitae), Labcorp
Classification: Uncertain significance for Aicardi-Goutieres syndrome 4. Last evaluated: 2025-02-18. Review status: criteria provided, single submitter. Criteria: Invitae Variant Classification Sherloc (09022015). Collection method: clinical testing. Allele origin: germline.
Comment: This sequence change replaces valine, which is neutral and non-polar, with leucine, which is neutral and non-polar, at codon 133 of the RNASEH2A protein (p.Val133Leu). Information on the frequency of this variant in the gnomAD database is not available, as this variant may be reported differently in the database. This variant has not been reported in the literature in individuals affected with RNASEH2A-related conditions. Experimental studies and prediction algorithms are not available or were not evaluated, and the functional significance of this variant is currently unknown. In summary, the available evidence is currently insufficient to determine the role of this variant in disease. Therefore, it has been classified as a Variant of Uncertain Significance.

NM_006397.3(RNASEH2A):c.396_397delinsAC (p.Val133Leu)

Gene: RNASEH2A (ribonuclease H2 subunit A; plus strand). Cytogenetic location: 19p13.13.
Variant type: Indel.
Coding change: c.396_397delinsAC on transcript NM_006397.3 (MANE Select); coding-DNA positions 396 to 397, CG replaced by AC.
Protein change: p.Val133Leu; replaces valine 133 with leucine.
Molecular consequence: missense variant.
Genome position (GRCh38, 1-based): chr19:12,807,491-12,807,492, CG replaced by AC. VCF-style: chr19-12807491-CG-AC. GRCh37 (hg19) VCF-style: chr19-12918305-CG-AC.
Other names: short protein forms V133L.
Identifiers: ClinVar variation 4713228 (VCV004713228.1).
Genomic context (GRCh38, chr19:12,807,491, plus strand): 5'-CCTGAACTCCCTGTCACATGATACAGCCACTGGGCTTATACAGTATGCATTGGACCAGGG[CG>AC]TGAACGTCACCCAGGTGAGTTAACTGTAAGTTGTCCCCATTTGGTCATCTCAGGATAAAA-3'
Protein context (NP_006388.2, residues 123-143): GLIQYALDQG[Val133Leu]NVTQVFVDTV